The following is an entry in ClinVar:

ClinVar aggregate classification (germline): Uncertain significance (1 of 4 stars; one submission).

Submission:

Ambry Genetics
Classification: Uncertain significance. Last evaluated: 2024-12-02. Review status: criteria provided, single submitter. Criteria: Ambry Variant Classification Scheme 2023. Collection method: clinical testing. Allele origin: germline.
Comment: The p.E649D variant (also known as c.1947G>C), located in coding exon 13 of the GEN1 gene, results from a G to C substitution at nucleotide position 1947. The glutamic acid at codon 649 is replaced by aspartic acid, an amino acid with highly similar properties. This amino acid position is conserved. In addition, this alteration is predicted to be tolerated by in silico analysis. Based on the available evidence, the clinical significance of this variant remains unclear.

NM_001130009.3(GEN1):c.1947G>C (p.Glu649Asp)

Gene: GEN1 (GEN1 Holliday junction 5' flap endonuclease; plus strand). Cytogenetic location: 2p24.2.
Variant type: single nucleotide variant.
Coding change: c.1947G>C on transcript NM_001130009.3 (MANE Select); coding-DNA position 1947, G replaced by C.
Protein change: p.Glu649Asp; replaces glutamic acid 649 with aspartic acid.
Molecular consequence: missense variant.
Genome position (GRCh38, 1-based): chr2:17,781,159, G>C. VCF-style: chr2-17781159-G-C. GRCh37 (hg19) VCF-style: chr2-17962426-G-C.
Other names: c.1947G>C, p.Glu649Asp (NM_182625.5); short protein forms E649D.
Identifiers: ClinVar variation 3519763 (VCV003519763.1).
Genomic context (GRCh38, chr2:17,781,159, plus strand): 5'-AGAACAACTGTCCTGTGAATCAGAAAGGTACACTGCAAACATAAAGAAAGTGTTGGATGA[G>C]GATTCTGATGGGATTAGTCCTGAAGAGCATCTACTTTCTGGCATTACTGATTTATGTCTT-3'
Protein context (NP_001123481.3, residues 639-659): YTANIKKVLD[Glu649Asp]DSDGISPEEH